The following is an entry in ClinVar:

ClinVar aggregate classification (germline): Conflicting classifications of pathogenicity. Review status: criteria provided, conflicting classifications (1 of 4 stars). 2 submissions from 2 submitters: Uncertain significance (1); Likely benign (1). Last evaluated 2022-10-03.

Conditions:
Inborn genetic diseases. Identifiers: MedGen C0950123, MeSH D030342.
Epidermolysis bullosa simplex 5B, with muscular dystrophy (EBS5B). Also called: Epidermolysis bullosa simplex with muscular dystrophy; EPIDERMOLYSIS BULLOSA SIMPLEX AND LIMB-GIRDLE MUSCULAR DYSTROPHY. Identifiers: Orphanet 257, MedGen C2931072, MONDO:0009181, OMIM 226670.
Epidermolysis bullosa simplex, Ogna type (EBS5A). Also called: Pidermolysis bullosa simplex 5A, Ogna type; EPIDERMOLYSIS BULLOSA SIMPLEX 5A, OGNA TYPE. Identifiers: Orphanet 79401, MedGen C0432317, MONDO:0007555, OMIM 131950.
Epidermolysis bullosa simplex 5C, with pyloric atresia (EBS5C). Also called: PLEC-Related Epidermolysis Bullosa with Pyloric Atresia; Epidermolysis bullosa simplex with pyloric atresia; PLEC1-Related Epidermolysis Bullosa with Pyloric Atresia. Identifiers: Orphanet 158684, MedGen C2677349, MONDO:0012807, OMIM 612138.
Autosomal recessive limb-girdle muscular dystrophy type 2Q (LGMDR17). Also called: MUSCULAR DYSTROPHY, LIMB-GIRDLE, AUTOSOMAL RECESSIVE 17. Identifiers: Orphanet 254361, MedGen C3150989, MONDO:0013390, OMIM 613723.
Epidermolysis bullosa simplex with nail dystrophy (EBS5D). Identifiers: MedGen C4225309, MONDO:0014661, OMIM 616487.

Allele frequency attached by ClinVar (database versions not stated): ExAC 0.00002; gnomAD 0.00002; gnomAD exomes 0.00002; TOPMed 0.00002.
gnomAD v4.1: 26 of 1,613,032 alleles (0.0016%); highest among the groups gnomAD compares: East Asian, 0.0045%; no homozygotes.

Submissions (2):

Ambry Genetics
Classification: Likely benign for Inborn genetic diseases. Last evaluated: 2022-10-03. Review status: criteria provided, single submitter. Criteria: Ambry Variant Classification Scheme 2023. Collection method: clinical testing. Allele origin: germline.

Labcorp Genetics (formerly Invitae), Labcorp
Classification: Uncertain significance for Autosomal recessive limb-girdle muscular dystrophy type 2Q; Epidermolysis bullosa simplex, Ogna type; Epidermolysis bullosa simplex with nail dystrophy; Epidermolysis bullosa simplex 5C, with pyloric atresia; Epidermolysis bullosa simplex 5B, with muscular dystrophy. Last evaluated: 2022-09-01. Review status: criteria provided, single submitter. Criteria: Invitae Variant Classification Sherloc (09022015). Collection method: clinical testing. Allele origin: germline.
Comment: In summary, the available evidence is currently insufficient to determine the role of this variant in disease. Therefore, it has been classified as a Variant of Uncertain Significance. Algorithms developed to predict the effect of missense changes on protein structure and function output the following: SIFT: "Tolerated"; PolyPhen-2: "Benign"; Align-GVGD: "Class C0". The threonine amino acid residue is found in multiple mammalian species, which suggests that this missense change does not adversely affect protein function. ClinVar contains an entry for this variant (Variation ID: 1006392). This variant has not been reported in the literature in individuals affected with PLEC-related conditions. This variant is present in population databases (rs782744244, gnomAD 0.007%). This sequence change replaces alanine, which is neutral and non-polar, with threonine, which is neutral and polar, at codon 2741 of the PLEC protein (p.Ala2741Thr).

NM_201384.3(PLEC):c.8140G>A (p.Ala2714Thr)

Gene: PLEC (plectin; minus strand). Cytogenetic location: 8q24.3.
Variant type: single nucleotide variant.
Coding change: c.8140G>A on transcript NM_201384.3 (MANE Select); coding-DNA position 8140, G replaced by A.
Protein change: p.Ala2714Thr; replaces alanine 2714 with threonine.
Molecular consequence: missense variant.
Genome position (GRCh38, 1-based): chr8:143,921,681, C>T on the plus strand (G>A on the coding strand, the complement: PLEC is on the minus strand). VCF-style: chr8-143921681-C-T. GRCh37 (hg19) VCF-style: chr8-144995849-C-T.
Other names: c.8221G>A (NM_000445.3); c.8044G>A, p.Ala2682Thr (NM_201381.3); c.8140G>A, p.Ala2714Thr (NM_201382.4); c.8152G>A, p.Ala2718Thr (NM_201383.3); c.8221G>A, p.Ala2741Thr (NM_000445.5); c.8098G>A, p.Ala2700Thr (NM_201378.4); c.8074G>A, p.Ala2692Thr (NM_201379.3); c.8551G>A, p.Ala2851Thr (NM_201380.4); short protein forms A2682T, A2692T, A2700T, A2714T, A2718T, A2741T, A2851T.
Identifiers: ClinVar variation 1006392 (VCV001006392.6), dbSNP rs782744244, ClinGen allele CA4925410.